The following is an entry in ClinVar:

ClinVar aggregate classification (germline): Pathogenic (1 of 4 stars; one submission).

Conditions:
Mitochondrial hypertrophic cardiomyopathy with lactic acidosis due to MTO1 deficiency. Also called: CARDIOMYOPATHY, INFANTILE HYPERTROPHIC MITOCHONDRIAL, AND LACTIC ACIDOSIS; Combined oxidative phosphorylation deficiency 10. Identifiers: Orphanet 314637, MedGen C4749921, MONDO:0013865, OMIM 614702.

Submission:

Labcorp Genetics (formerly Invitae), Labcorp
Classification: Pathogenic for Mitochondrial hypertrophic cardiomyopathy with lactic acidosis due to MTO1 deficiency. Last evaluated: 2025-03-26. Review status: criteria provided, single submitter. Criteria: Invitae Variant Classification Sherloc (09022015). Collection method: clinical testing. Allele origin: germline.
Comment: This sequence change creates a premature translational stop signal (p.Arg313Leufs*40) in the MTO1 gene. It is expected to result in an absent or disrupted protein product. Loss-of-function variants in MTO1 are known to be pathogenic (PMID: 22608499, 25058219). This variant is not present in population databases (gnomAD no frequency). This variant has not been reported in the literature in individuals affected with MTO1-related conditions. For these reasons, this variant has been classified as Pathogenic.

Literature cited by the submitters: PubMed 22608499; PubMed 25058219.

NM_012123.4(MTO1):c.936_937dup (p.Arg313fs)

Gene: MTO1 (mitochondrial tRNA translation optimization 1; plus strand). Cytogenetic location: 6q13.
Variant type: Duplication.
Coding change: c.936_937dup on transcript NM_012123.4 (MANE Select); coding-DNA positions 936 to 937, 2 bases duplicated (TC; older notation c.936_937dupTC).
Protein change: p.Arg313fs; shifts the reading frame from arginine 313.
Molecular consequence: frameshift variant.
Genome position (GRCh38, 1-based): chr6:73,479,842-73,479,843, TC duplicated; duplicating any 2 consecutive bases within chr6:73,479,841-73,479,843 gives the same sequence; the c. name uses the placement nearest the transcript's 3' end. VCF-style (leftmost placement, unchanged base first): chr6-73479840-C-CCT. GRCh37 (hg19) VCF-style: chr6-74189563-C-CCT.
Other names: c.936_937dup, p.Arg313fs (NM_001123226.2, NM_133645.3); short protein forms R313fs.
Identifiers: ClinVar variation 4715997 (VCV004715997.1).